The following is an entry in ClinVar:

ClinVar aggregate classification (germline): Conflicting classifications of pathogenicity. Review status: criteria provided, conflicting classifications (1 of 4 stars). 2 submissions from 2 submitters: Likely pathogenic (1); Uncertain significance (1). Last evaluated 2022-08-25.

Conditions:
CHD3-related disorder. Also called: CHD3-related condition.
Snijders Blok-Campeau syndrome. Also called: INTELLECTUAL DEVELOPMENTAL DISORDER WITH MACROCEPHALY, SPEECH DELAY, AND DYSMORPHIC FACIES. Identifiers: Orphanet 599082, MedGen C4748701, MONDO:0032600, OMIM 618205.

Submissions (2):

PreventionGenetics, part of Exact Sciences
Classification: Likely pathogenic for CHD3-related condition. Last evaluated: 2022-08-25. Review status: criteria provided, single submitter. Criteria: ACMG Guidelines, 2015. Collection method: clinical testing. Allele origin: germline.
Comment: The CHD3 c.4534_4535+2delAAGT variant is predicted to result in a deletion affecting a canonical splice site. This variant was reported to have occurred de novo in an individual from an autism cohort; however, detailed clinical information was not available (Supplementary Data 1, Feliciano et al. 2019. PubMed ID: 31452935). This variant has not been reported in a large population database, indicating this variant is rare. This variant is interpreted as likely pathogenic.

Institute of Human Genetics, University of Leipzig Medical Center
Classification: Uncertain significance for Snijders Blok-Campeau syndrome. Last evaluated: 2019-01-01. Review status: criteria provided, single submitter. Criteria: ACMG Guidelines, 2015. Collection method: clinical testing. Allele origin: unknown. Affected: yes.

NM_001005273.3(CHD3):c.4357_4358+2del

Gene: CHD3 (chromodomain helicase DNA binding protein 3; plus strand). Cytogenetic location: 17p13.1.
Variant type: Deletion.
Coding change: c.4357_4358+2del on transcript NM_001005273.3 (MANE Select); coding-DNA position 4357 through the canonical splice donor site of the intron after coding-DNA position 4358, 4 bases deleted (AAGT; older notation c.4357_4358+2delAAGT).
Molecular consequence: splice donor variant.
Genome position (GRCh38, 1-based): chr17:7,905,988-7,905,991, AAGT deleted; deleting any 4 consecutive bases within chr17:7,905,987-7,905,991 gives the same sequence; the c. name uses the placement nearest the transcript's 3' end. VCF-style (leftmost placement, unchanged base first): chr17-7905986-TTAAG-T. GRCh37 (hg19) VCF-style: chr17-7809304-TTAAG-T.
Other names: c.4534_4535+2del (NM_001005271.3); c.4357_4358+2del (NM_005852.4); c.4534_4535+2delAAGT (NM_001005271.2).
Identifiers: ClinVar variation 982879 (VCV000982879.2), dbSNP rs1970877175, ClinGen allele CA1139665171.